The following is an entry in ClinVar:

NM_002878.4(RAD51D):c.145-11C>T

Genes: RAD51D (RAD51 paralog D; minus strand), RAD51L3-RFFL (RAD51L3-RFFL readthrough; minus strand). Cytogenetic location: 17q12.
Variant type: single nucleotide variant.
Coding change: c.145-11C>T on transcript NM_002878.4 (MANE Select); 11 bases into the intron before coding-DNA position 145, C replaced by T.
Molecular consequence: intron variant.
Genome position (GRCh38, 1-based): chr17:35,118,630, G>A on the plus strand (C>T on the coding strand, the complement: RAD51D is on the minus strand). VCF-style: chr17-35118630-G-A. GRCh37 (hg19) VCF-style: chr17-33445649-G-A.
Other names: c.144+481C>T (NM_001142571.2, NM_133629.3).
Identifiers: ClinVar variation 3904097 (VCV003904097.1).

ClinVar aggregate classification (germline): Likely benign (1 of 4 stars; one submission).

Conditions:
Breast-ovarian cancer, familial, susceptibility to, 4. Identifiers: Orphanet 145, MedGen C3280345, MONDO:0013669, OMIM 614291.

Submission:

Myriad Genetics, Inc.
Classification: Likely benign for Breast-ovarian cancer, familial, susceptibility to, 4. Last evaluated: 2025-02-20. Review status: criteria provided, single submitter. Criteria: Myriad Autosomal Dominant, Autosomal Recessive and X-Linked Classification Criteria (2023). Collection method: clinical testing. Allele origin: unknown.
Comment: This variant is considered likely benign. This variant is intronic and is not expected to impact mRNA splicing.